The following is an entry in ClinVar:

NM_000501.4(ELN):c.233-94G>A

Gene: ELN (elastin; plus strand). Cytogenetic location: 7q11.23.
Variant type: single nucleotide variant.
Coding change: c.233-94G>A on transcript NM_000501.4 (MANE Select); 94 bases into the intron before coding-DNA position 233, G replaced by A.
Molecular consequence: intron variant.
Genome position (GRCh38, 1-based): chr7:74,042,520, G>A. VCF-style: chr7-74042520-G-A. GRCh37 (hg19) VCF-style: chr7-73456850-G-A.
Other names: c.233-94G>A (NM_001081754.3, NM_001081753.3, NM_001278939.2 and 4 more transcripts); c.197-94G>A (NM_001278913.2); c.203-94G>A (NM_001278914.2, NM_001278917.2, NM_001081752.3 and 1 more transcripts).
Identifiers: ClinVar variation 674689 (VCV000674689.2), dbSNP rs13239907, ClinGen allele CA160126588.

ClinVar aggregate classification (germline): Benign. Review status: criteria provided, multiple submitters, no conflicts (2 of 4 stars). 2 submissions from 2 submitters: Benign (2). Last evaluated 2018-06-14.

Allele frequency attached by ClinVar (database versions not stated): gnomAD 0.08424 and 0.09550; TOPMed 0.10304; gnomAD exomes 0.11429; 1000 Genomes Project 30x 0.18551; 1000 Genomes Project 0.18910.
gnomAD v4.1: 120,486 of 1,080,560 alleles (11%); highest among the groups gnomAD compares: East Asian, 37%; 11,207 homozygotes.

Submissions (2):

GeneDx
Classification: Benign. Last evaluated: 2018-06-14. Review status: criteria provided, single submitter. Criteria: GeneDx Variant Classification (06012015). Collection method: clinical testing. Allele origin: germline. Affected: yes.
Comment: This variant is considered likely benign or benign based on one or more of the following criteria: it is a conservative change, it occurs at a poorly conserved position in the protein, it is predicted to be benign by multiple in silico algorithms, and/or has population frequency not consistent with disease.

Breakthrough Genomics
Classification: Benign. Review status: criteria provided, single submitter. Criteria: ACMG Guidelines, 2015. Collection method: not provided. Allele origin: germline. Inheritance: Autosomal dominant inheritance. Affected: yes.